The following is an entry in ClinVar:

NM_175914.5(HNF4A):c.911G>A (p.Arg304His)

Gene: HNF4A (hepatocyte nuclear factor 4 alpha; plus strand). Cytogenetic location: 20q13.12.
Variant type: single nucleotide variant.
Coding change: c.911G>A on transcript NM_175914.5 (MANE Select); coding-DNA position 911, G replaced by A.
Protein change: p.Arg304His; replaces arginine 304 with histidine.
Molecular consequence: missense variant.
Genome position (GRCh38, 1-based): chr20:44,424,102, G>A. VCF-style: chr20-44424102-G-A. GRCh37 (hg19) VCF-style: chr20-43052742-G-A.
Other names: c.977G>A, p.Arg326His (NM_000457.6, NM_178849.3, NM_178850.3); c.911G>A, p.Arg304His (NM_001030003.3, NM_001030004.3); c.956G>A, p.Arg319His (NM_001258355.2); c.902G>A, p.Arg301His (NM_001287182.2, NM_001287183.2, NM_001287184.2); short protein forms R301H, R304H, R319H, R326H.
Identifiers: ClinVar variation 2630609 (VCV002630609.3), dbSNP rs753027685, ClinGen allele CA9870406.

ClinVar aggregate classification (germline): Uncertain significance. Review status: criteria provided, multiple submitters, no conflicts (2 of 4 stars). 3 submissions from 3 submitters: Uncertain significance (3). Last evaluated 2025-11-26.

Conditions:
Maturity-onset diabetes of the young type 1. Also called: MILD JUVENILE DIABETES MELLITUS; MODY type 1; Diabetes mellitus MODY type 1; MODY HNF4A related; HNF4A-Related Maturity-Onset Diabetes of the Young Type 1; MODY, type I. Identifiers: Orphanet 552, MedGen C1852093, MONDO:0007452, OMIM 125850. Disease mechanism: loss of function.
Fanconi renotubular syndrome 4 with maturity-onset diabetes of the young (FRTS4). Also called: FRTS4 WITH MODY. Identifiers: Orphanet 93111, MedGen C4014962, MONDO:0014458, OMIM 616026.
Type 2 diabetes mellitus. Also called: Type II diabetes mellitus. Identifiers: MedGen C0011860, MeSH D003924, MONDO:0005148, OMIM 125853, HP:0005978.
HNF4A-related disorder. Also called: HNF4A-related condition.

Allele frequency attached by ClinVar (database versions not stated): ExAC 0.00001; gnomAD 0.00001; gnomAD exomes 0.00001; TOPMed 0.00001.
gnomAD v4.1: 9 of 1,613,306 alleles (0.00056%); highest among the groups gnomAD compares: Admixed American, 0.0033%; no homozygotes.

Submissions (3):

Women's Health and Genetics/Laboratory Corporation of America, LabCorp
Classification: Uncertain significance. Last evaluated: 2025-11-26. Review status: criteria provided, single submitter. Criteria: LabCorp Variant Classification Summary - May 2015. Collection method: clinical testing. Allele origin: germline.
Comment: Variant summary: HNF4A c.911G>A (p.Arg304His) results in a non-conservative amino acid change in the encoded protein sequence. Algorithms developed to predict the effect of missense changes on protein structure and function all suggest that this variant is likely to be disruptive. The variant allele was found at a frequency of 1.2e-05 in 248438 control chromosomes. The available data on variant occurrences in the general population are insufficient to allow any conclusion about variant significance. To our knowledge, no occurrence of c.911G>A in individuals affected with HNF4A-related conditions and no experimental evidence demonstrating its impact on protein function have been reported. ClinVar contains an entry for this variant (Variation ID: 2630609). Based on the evidence outlined above, the variant was classified as uncertain significance.

Fulgent Genetics
Classification: Uncertain significance for Maturity-onset diabetes of the young type 1; Type 2 diabetes mellitus; Fanconi renotubular syndrome 4 with maturity-onset diabetes of the young. Last evaluated: 2024-05-28. Review status: criteria provided, single submitter. Criteria: ACMG Guidelines, 2015. Collection method: clinical testing. Allele origin: germline.

PreventionGenetics, part of Exact Sciences
Classification: Uncertain significance for HNF4A-related condition. Last evaluated: 2023-03-01. Review status: criteria provided, single submitter. Criteria: ACMG Guidelines, 2015. Collection method: clinical testing. Allele origin: germline.
Comment: The HNF4A c.911G>A variant is predicted to result in the amino acid substitution p.Arg304His. To our knowledge, this variant has not been reported in the literature. This variant is reported in 0.0058% of alleles in individuals of Latino descent in gnomAD. At this time, the clinical significance of this variant is uncertain due to the absence of conclusive functional and genetic evidence.